The following is an entry in ClinVar:

ClinVar aggregate classification (germline): Uncertain significance (1 of 4 stars; one submission).

Submission:

Labcorp Genetics (formerly Invitae), Labcorp
Classification: Uncertain significance. Last evaluated: 2024-10-09. Review status: criteria provided, single submitter. Criteria: Invitae Variant Classification Sherloc (09022015). Collection method: clinical testing. Allele origin: germline.
Comment: This sequence change replaces glutamic acid, which is acidic and polar, with glutamine, which is neutral and polar, at codon 311 of the ABL1 protein (p.Glu311Gln). This variant is not present in population databases (gnomAD no frequency). This variant has not been reported in the literature in individuals affected with ABL1-related conditions. Invitae Evidence Modeling of protein sequence and biophysical properties (such as structural, functional, and spatial information, amino acid conservation, physicochemical variation, residue mobility, and thermodynamic stability) indicates that this missense variant is expected to disrupt ABL1 protein function with a positive predictive value of 80%. In summary, the available evidence is currently insufficient to determine the role of this variant in disease. Therefore, it has been classified as a Variant of Uncertain Significance.

NM_005157.6(ABL1):c.874G>C (p.Glu292Gln)

Gene: ABL1 (ABL proto-oncogene 1, non-receptor tyrosine kinase; plus strand). Cytogenetic location: 9q34.12.
Variant type: single nucleotide variant.
Coding change: c.874G>C on transcript NM_005157.6 (MANE Select); coding-DNA position 874, G replaced by C.
Protein change: p.Glu292Gln; replaces glutamic acid 292 with glutamine.
Molecular consequence: missense variant.
Genome position (GRCh38, 1-based): chr9:130,872,180, G>C. VCF-style: chr9-130872180-G-C. GRCh37 (hg19) VCF-style: chr9-133747567-G-C.
Other names: c.931G>C, p.Glu311Gln (NM_007313.3); short protein forms E311Q, E292Q.
Identifiers: ClinVar variation 3661784 (VCV003661784.2).
Genomic context (GRCh38, chr9:130,872,180, plus strand): 5'-CTTCTGCAGGAGGACACCATGGAGGTGGAAGAGTTCTTGAAAGAAGCTGCAGTCATGAAA[G>C]AGATCAAACACCCTAACCTGGTGCAGCTCCTTGGTGAGTAAGCCCGGGGCTCTGAAGAGA-3'
Protein context (NP_005148.2, residues 282-302): EFLKEAAVMK[Glu292Gln]IKHPNLVQLL